The following is an entry in ClinVar:

ClinVar aggregate classification (germline): Pathogenic/Likely pathogenic. Review status: criteria provided, multiple submitters, no conflicts (2 of 4 stars). 2 submissions from 2 submitters: Pathogenic (1); Likely pathogenic (1). Last evaluated 2026-01-01.

Conditions:
Waardenburg syndrome type 1 (WS1). Also called: WAARDENBURG SYNDROME WITH DYSTOPIA CANTHORUM; Waardenburg Syndrome Type I. Identifiers: Orphanet 894, MedGen C1847800, MONDO:0008670, OMIM 193500.

Submissions (2):

Labcorp Genetics (formerly Invitae), Labcorp
Classification: Pathogenic. Last evaluated: 2026-01-01. Review status: criteria provided, single submitter. Criteria: Invitae Variant Classification Sherloc (09022015). Collection method: clinical testing. Allele origin: germline.
Comment: This sequence change creates a premature translational stop signal (p.Ser426*) in the PAX3 gene. While this is not anticipated to result in nonsense mediated decay, it is expected to disrupt the last 54 amino acid(s) of the PAX3 protein. This variant is not present in population databases (gnomAD no frequency). This variant has not been reported in the literature in individuals affected with PAX3-related conditions. ClinVar contains an entry for this variant (Variation ID: 547752). This variant disrupts a region of the PAX3 protein in which other variant(s) (p.Gln431*) have been determined to be pathogenic (internal data). This suggests that this is a clinically significant region of the protein, and that variants that disrupt it are likely to be disease-causing. For these reasons, this variant has been classified as Pathogenic.

Center for Human Genetics, Inc
Classification: Likely pathogenic for Waardenburg syndrome type 1. Last evaluated: 2016-11-01. Review status: criteria provided, single submitter. Criteria: ACMG Guidelines, 2015. Collection method: clinical testing. Allele origin: germline. Affected: yes.

NM_181458.4(PAX3):c.1277C>A (p.Ser426Ter)

Gene: PAX3 (paired box 3; minus strand). Cytogenetic location: 2q36.1.
Variant type: single nucleotide variant.
Coding change: c.1277C>A on transcript NM_181458.4 (MANE Select); coding-DNA position 1277, C replaced by A.
Protein change: p.Ser426Ter; replaces serine 426 with a stop codon.
Molecular consequence: nonsense. On other transcripts: intron variant (2).
Genome position (GRCh38, 1-based): chr2:222,202,087, G>T on the plus strand (C>A on the coding strand, the complement: PAX3 is on the minus strand). VCF-style: chr2-222202087-G-T. GRCh37 (hg19) VCF-style: chr2-223066806-G-T.
Other names: c.1274C>A, p.Ser425Ter (NM_001127366.3); c.1277C>A, p.Ser426Ter (NM_181457.4, NM_181459.4); c.1174-645C>A (NM_181460.4, NM_181461.4); short protein forms S426*, S425*.
Identifiers: ClinVar variation 547752 (VCV000547752.2), dbSNP rs369886550, ClinGen allele CA351115724.